The following is an entry in ClinVar:

NM_024685.4(BBS10):c.1804G>T (p.Val602Leu)

Gene: BBS10 (Bardet-Biedl syndrome 10; minus strand). Cytogenetic location: 12q21.2.
Variant type: single nucleotide variant.
Coding change: c.1804G>T on transcript NM_024685.4 (MANE Select); coding-DNA position 1804, G replaced by T.
Protein change: p.Val602Leu; replaces valine 602 with leucine.
Molecular consequence: missense variant.
Genome position (GRCh38, 1-based): chr12:76,346,181, C>A on the plus strand (G>T on the coding strand, the complement: BBS10 is on the minus strand). VCF-style: chr12-76346181-C-A. GRCh37 (hg19) VCF-style: chr12-76739961-C-A.
Other names: c.1804G>T, p.Val602Leu (LRG_1255t1); short protein forms V602L.
Identifiers: ClinVar variation 520825 (VCV000520825.5), dbSNP rs778431173, ClinGen allele CA385809868.
Genomic context (GRCh38, chr12:76,346,181, plus strand): 5'-GGCATTTTTTGGCATAATTGAGAAGATAGTAATGTAACAAGATCTCAAAATTACCACCTA[C>A]TGGCAAAACACAACCAGCTGGCATAGATGAGGAAAGGTAACTCTGGGAAGTACCCATATT-3'
Protein context (NP_078961.3, residues 592-612): SSMPAGCVLP[Val602Leu]GGNFEILLHY

ClinVar aggregate classification (germline): Conflicting classifications of pathogenicity. Review status: criteria provided, conflicting classifications (1 of 4 stars). 2 submissions from 2 submitters: Likely pathogenic (1); Uncertain significance (1). Last evaluated 2025-11-05.

Conditions:
BBS10-related disorder. Also called: BBS10-related condition.
Inborn genetic diseases. Identifiers: MedGen C0950123, MeSH D030342.

Submissions (2):

PreventionGenetics, part of Exact Sciences
Classification: Uncertain significance for BBS10-related condition. Last evaluated: 2025-11-05. Review status: criteria provided, single submitter. Criteria: ACMG Guidelines, 2015. Collection method: clinical testing. Allele origin: germline.
Comment: The BBS10 c.1804G>T variant is predicted to result in the amino acid substitution p.Val602Leu. To our knowledge, this variant has not been reported in the literature or in a large population database (gnomAD), indicating this variant is rare. A different missense variant affecting the same nucleotide but resulting in the same amino acid substitution (c.1804G>C, p.Val602Leu) was reported along with a second variant in multiple individuals with Bardet-Biedl syndrome (Chen et al. 2011. PubMed ID: 21642631; Supplemental Table 1, Feuillan et al. 2011. PubMed ID: 21209035), however no additional information was provided to establish pathogenicity. At this time, the clinical significance of the c.1804G>T (p.Val602Leu) variant is uncertain due to the absence of conclusive functional and genetic evidence.

Ambry Genetics
Classification: Likely pathogenic for Inborn genetic diseases. Last evaluated: 2015-10-12. Review status: criteria provided, single submitter. Criteria: Ambry exome assertion method (8-5-2015). Collection method: clinical testing. Allele origin: germline. Affected: yes. Observed: 1 variant allele.

Literature cited by the submitters: PubMed 21209035 (cited by Ambry Genetics); PubMed 8861908 (cited by Ambry Genetics); PubMed 21642631 (cited by Ambry Genetics).